The following is an entry in ClinVar:

NM_002207.3(ITGA9):c.1761A>G (p.Gly587=)

Gene: ITGA9 (integrin subunit alpha 9; plus strand). Cytogenetic location: 3p22.2.
Variant type: single nucleotide variant.
Coding change: c.1761A>G on transcript NM_002207.3 (MANE Select); coding-DNA position 1761, A replaced by G.
Protein change: p.Gly587=; no amino-acid change (glycine 587 retained).
Molecular consequence: synonymous variant.
Genome position (GRCh38, 1-based): chr3:37,629,258, A>G. VCF-style: chr3-37629258-A-G. GRCh37 (hg19) VCF-style: chr3-37670749-A-G.
Identifiers: ClinVar variation 3034815 (VCV003034815.2), dbSNP rs138705453, ClinGen allele CA2310923.

ClinVar aggregate classification (germline): Likely benign (0 of 4 stars; one submission).

Conditions:
ITGA9-related disorder. Also called: ITGA9-related condition.

Allele frequency attached by ClinVar (database versions not stated): ExAC 0.00011; gnomAD exomes 0.00013; gnomAD 0.00014; TOPMed 0.00014; ESP Exome Variant Server 0.00031.
gnomAD v4.1: 219 of 1,613,834 alleles (0.014%); highest among the groups gnomAD compares: Middle Eastern, 0.12%; 2 homozygotes.

Submission:

PreventionGenetics, part of Exact Sciences
Classification: Likely benign for ITGA9-related condition. Last evaluated: 2019-08-09. Review status: no assertion criteria provided. Collection method: clinical testing. Allele origin: germline.
Comment: This variant is classified as likely benign based on ACMG/AMP sequence variant interpretation guidelines (Richards et al. 2015 PMID: 25741868, with internal and published modifications).